The following is an entry in ClinVar:

ClinVar aggregate classification (germline): Uncertain significance (1 of 4 stars; one submission).

Conditions:
Dextro-looped transposition of the great arteries. Also called: Dextrotransposition of the great arteries. Identifiers: Orphanet 860, MedGen C3531771, MONDO:0019443, OMIM 608808, HP:0031348.

Submission:

Labcorp Genetics (formerly Invitae), Labcorp
Classification: Uncertain significance for Dextro-looped transposition of the great arteries. Last evaluated: 2025-05-27. Review status: criteria provided, single submitter. Criteria: Invitae Variant Classification Sherloc (09022015). Collection method: clinical testing. Allele origin: germline.
Comment: This sequence change replaces glutamine, which is neutral and polar, with histidine, which is basic and polar, at codon 2006 of the MED13L protein (p.Gln2006His). This variant is not present in population databases (gnomAD no frequency). This variant has not been reported in the literature in individuals affected with MED13L-related conditions. Invitae Evidence Modeling of protein sequence and biophysical properties (such as structural, functional, and spatial information, amino acid conservation, physicochemical variation, residue mobility, and thermodynamic stability) indicates that this missense variant is expected to disrupt MED13L protein function with a positive predictive value of 80%. In summary, the available evidence is currently insufficient to determine the role of this variant in disease. Therefore, it has been classified as a Variant of Uncertain Significance.

NM_015335.5(MED13L):c.6018G>T (p.Gln2006His)

Gene: MED13L (mediator complex subunit 13L; minus strand). Cytogenetic location: 12q24.21.
Variant type: single nucleotide variant.
Coding change: c.6018G>T on transcript NM_015335.5 (MANE Select); coding-DNA position 6018, G replaced by T.
Protein change: p.Gln2006His; replaces glutamine 2006 with histidine.
Molecular consequence: missense variant.
Genome position (GRCh38, 1-based): chr12:115,970,643, C>A on the plus strand (G>T on the coding strand, the complement: MED13L is on the minus strand). VCF-style: chr12-115970643-C-A. GRCh37 (hg19) VCF-style: chr12-116408448-C-A.
Other names: short protein forms Q2006H.
Identifiers: ClinVar variation 4711803 (VCV004711803.1).
Genomic context (GRCh38, chr12:115,970,643, plus strand): 5'-CTTCTACTCACCATTGTTGGGGCTAAACCCATCTTCATTGGGGTAGTTGGCTGGAGCCAC[C>A]TGGATGGTTGATGATGTTGGGAACACCAAGATGTGTGTACAAGAAGCATCTTGAGGGGTG-3'
Protein context (NP_056150.1, residues 1996-2016): ILVFPTSSTI[Gln2006His]VAPANYPNED